The following is an entry in ClinVar:

ClinVar aggregate classification (germline): Uncertain significance (1 of 4 stars; one submission).

Conditions:
Brugada syndrome 4 (BRGDA4). Identifiers: Orphanet 130, MedGen C2678477, MONDO:0012743, OMIM 611876.

gnomAD v4.1: 2 of 1,614,100 alleles (0.00012%); highest among the groups gnomAD compares: Admixed American, 0.0017%; no homozygotes.

Submission:

Labcorp Genetics (formerly Invitae), Labcorp
Classification: Uncertain significance for Brugada syndrome 4. Last evaluated: 2022-04-01. Review status: criteria provided, single submitter. Criteria: Invitae Variant Classification Sherloc (09022015). Collection method: clinical testing. Allele origin: germline.
Comment: In summary, the available evidence is currently insufficient to determine the role of this variant in disease. Therefore, it has been classified as a Variant of Uncertain Significance. Algorithms developed to predict the effect of missense changes on protein structure and function (SIFT, PolyPhen-2, Align-GVGD) all suggest that this variant is likely to be disruptive. This variant has not been reported in the literature in individuals affected with CACNB2-related conditions. This variant is not present in population databases (gnomAD no frequency). This sequence change replaces aspartic acid, which is acidic and polar, with histidine, which is basic and polar, at codon 384 of the CACNB2 protein (p.Asp384His).

NM_201596.3(CACNB2):c.1312G>C (p.Asp438His)

Gene: CACNB2 (calcium voltage-gated channel auxiliary subunit beta 2; plus strand). Cytogenetic location: 10p12.31.
Variant type: single nucleotide variant.
Coding change: c.1312G>C on transcript NM_201596.3 (MANE Select); coding-DNA position 1312, G replaced by C.
Protein change: p.Asp438His; replaces aspartic acid 438 with histidine.
Molecular consequence: missense variant.
Genome position (GRCh38, 1-based): chr10:18,538,189, G>C. VCF-style: chr10-18538189-G-C. GRCh37 (hg19) VCF-style: chr10-18827118-G-C.
Other names: c.1147G>C, p.Asp383His (NM_000724.4); c.1114G>C, p.Asp372His (NM_001167945.2); c.1033G>C, p.Asp345His (NM_001330060.2); c.1054G>C, p.Asp352His (NM_001410882.1); c.1168G>C, p.Asp390His (NM_201570.3); c.1228G>C, p.Asp410His (NM_201571.4); c.1156G>C, p.Asp386His (NM_201572.4); c.1150G>C, p.Asp384His (NM_201590.3); and 2 more; short protein forms D372H, D386H, D400H, D414H, D352H, D384H, D390H, D345H.
Identifiers: ClinVar variation 1980891 (VCV001980891.4), dbSNP rs778466195, ClinGen allele CA376070015.